The following is an entry in ClinVar:

NM_000059.4(BRCA2):c.1818_1819del (p.Lys607fs)

Gene: BRCA2 (BRCA2 DNA repair associated; plus strand). Cytogenetic location: 13q13.1.
Variant type: Deletion.
Coding change: c.1818_1819del on transcript NM_000059.4 (MANE Select); coding-DNA positions 1818 to 1819, 2 bases deleted (GA; older notation c.1818_1819delGA).
Protein change: p.Lys607fs; shifts the reading frame from lysine 607.
Molecular consequence: frameshift variant.
Genome position (GRCh38, 1-based): chr13:32,333,296-32,333,297, GA deleted. VCF-style (leftmost placement, unchanged base first): chr13-32333295-CGA-C. GRCh37 (hg19) VCF-style: chr13-32907432-CGA-C.
Other names: short protein forms K607fs.
Identifiers: ClinVar variation 988575 (VCV000988575.3), dbSNP rs2072423291, ClinGen allele CA1139663120.

ClinVar aggregate classification (germline): Pathogenic. Review status: criteria provided, multiple submitters, no conflicts (2 of 4 stars). 3 submissions from 3 submitters: Pathogenic (2). 1 of the submissions does not count toward it. Last evaluated 2025-03-19.

Conditions:
Breast-ovarian cancer, familial, susceptibility to, 2 (BROVCA2). Also called: BRCA2 Hereditary Breast and Ovarian Cancer. Identifiers: Orphanet 145, MedGen C2675520, MONDO:0012933, OMIM 612555. Disease mechanism: loss of function.

Submissions (3):

Myriad Genetics, Inc.
Classification: Pathogenic for Breast-ovarian cancer, familial, susceptibility to, 2. Last evaluated: 2025-03-19. Review status: criteria provided, single submitter. Criteria: Myriad Autosomal Dominant, Autosomal Recessive and X-Linked Classification Criteria (2023). Collection method: clinical testing. Allele origin: unknown.
Comment: This variant is considered pathogenic. This variant creates a frameshift predicted to result in premature protein truncation.

Clinical Genetics and Genomics, Karolinska University Hospital
Classification: Pathogenic. Last evaluated: 2019-06-05. Review status: criteria provided, single submitter. Criteria: ACMG Guidelines, 2015. Collection method: clinical testing. Allele origin: germline. Affected: yes. Observed: 1 variant allele.

BRCAlab, Lund University
Classification: Pathogenic for Breast-ovarian cancer, familial, susceptibility to, 2. Last evaluated: 2020-03-02. Review status: no assertion criteria provided. Collection method: clinical testing. Allele origin: germline. Affected: yes. Not counted in ClinVar's aggregate classification.